The following is an entry in ClinVar:

ClinVar aggregate classification (germline): Benign. Review status: criteria provided, multiple submitters, no conflicts (2 of 4 stars). 7 submissions from 7 submitters: Benign (7). Last evaluated 2026-02-02.

Conditions:
Charcot-Marie-Tooth disease. Also called: Charcot-Marie-Tooth Hereditary Neuropathy; Charcot-Marie-Tooth Neuropathy. Identifiers: Orphanet 166, MedGen C0007959, MONDO:0015626.
Charcot-Marie-Tooth disease type 4. Also called: Charcot-Marie-Tooth, Type 4; Charcot-Marie-Tooth disease, type IV. Identifiers: Orphanet 64749, MedGen C4082197, MONDO:0018995.
Charcot-Marie-Tooth disease type 4F. Also called: Charcot-Marie-Tooth disease, demyelinating, type 4F. Identifiers: Orphanet 99952, MedGen C3540453, MONDO:0013959, OMIM 614895.

Allele frequency attached by ClinVar (database versions not stated): gnomAD 0.01925 and 0.02067; 1000 Genomes Project 0.01977; 1000 Genomes Project 30x 0.02046; TOPMed 0.02228; ESP Exome Variant Server 0.02235.
gnomAD v4.1: 5,966 of 1,613,266 alleles (0.37%); highest among the groups gnomAD compares: African/African-American, 6.7%; 183 homozygotes.

Submissions (7):

Labcorp Genetics (formerly Invitae), Labcorp
Classification: Benign for Charcot-Marie-Tooth disease type 4. Last evaluated: 2026-02-02. Review status: criteria provided, single submitter. Criteria: Invitae Variant Classification Sherloc (09022015). Collection method: clinical testing. Allele origin: germline.

ARUP Laboratories, Molecular Genetics and Genomics, ARUP Laboratories
Classification: Benign. Last evaluated: 2024-11-21. Review status: criteria provided, single submitter. Criteria: ARUP Molecular Germline Variant Investigation Process 2024. Collection method: clinical testing. Allele origin: germline.

Illumina Laboratory Services, Illumina
Classification: Benign for Charcot-Marie-Tooth disease type 4F. Last evaluated: 2018-01-12. Review status: criteria provided, single submitter. Criteria: ICSL Variant Classification Criteria 13 December 2019. Collection method: clinical testing. Allele origin: germline.
Comment: This variant was observed in the ICSL laboratory as part of a predisposition screen in an ostensibly healthy population. It had not been previously curated by ICSL or reported in the Human Gene Mutation Database (HGMD: prior to June 1st, 2018), and was therefore a candidate for classification through an automated scoring system. Utilizing variant allele frequency, disease prevalence and penetrance estimates, and inheritance mode, an automated score was calculated to assess if this variant is too frequent to cause the disease. Based on the score and internal cut-off values, a variant classified as benign is not then subjected to further curation. The score for this variant resulted in a classification of benign for this disease.

Mayo Clinic Laboratories, Mayo Clinic
Classification: Benign. Last evaluated: 2016-11-28. Review status: criteria provided, single submitter. Criteria: ACMG Guidelines, 2015. Collection method: clinical testing. Allele origin: germline. Observed: 14 variant alleles.

GeneDx
Classification: Benign. Last evaluated: 2015-03-03. Review status: criteria provided, single submitter. Criteria: GeneDx Variant Classification Process June 2021. Collection method: clinical testing. Allele origin: germline. Affected: yes.

Breakthrough Genomics
Classification: Benign. Review status: criteria provided, single submitter. Criteria: ACMG Guidelines, 2015. Collection method: not provided. Allele origin: germline. Inheritance: Autosomal recessive inheritance. Affected: yes.

Molecular Genetics Laboratory, London Health Sciences Centre
Classification: Benign for Charcot-Marie-Tooth disease. Review status: criteria provided, single submitter. Criteria: ACMG Guidelines, 2015. Collection method: clinical testing. Allele origin: germline. Affected: yes.

NM_181882.3(PRX):c.1051C>T (p.Pro351Ser)

Gene: PRX (periaxin; minus strand). Cytogenetic location: 19q13.2.
Variant type: single nucleotide variant.
Coding change: c.1051C>T on transcript NM_181882.3 (MANE Select); coding-DNA position 1051, C replaced by T.
Protein change: p.Pro351Ser; replaces proline 351 with serine.
Molecular consequence: missense variant. On other transcripts: 3 prime UTR variant (1).
Genome position (GRCh38, 1-based): chr19:40,397,301, G>A on the plus strand (C>T on the coding strand, the complement: PRX is on the minus strand). VCF-style: chr19-40397301-G-A. GRCh37 (hg19) VCF-style: chr19-40903208-G-A.
Other names: p.Pro351Ser; c.*1256C>T (NM_020956.2); short protein forms P351S.
Identifiers: ClinVar variation 220690 (VCV000220690.29), dbSNP rs73933276, ClinGen allele CA348184.